The following is an entry in ClinVar:

NM_001830.4(CLCN4):c.1864G>A (p.Val622Met)

Gene: CLCN4 (chloride voltage-gated channel 4; plus strand). Cytogenetic location: Xp22.2.
Variant type: single nucleotide variant.
Coding change: c.1864G>A on transcript NM_001830.4 (MANE Select); coding-DNA position 1864, G replaced by A.
Protein change: p.Val622Met; replaces valine 622 with methionine.
Molecular consequence: missense variant.
Genome position (GRCh38, 1-based): chrX:10,213,968, G>A. VCF-style: chrX-10213968-G-A. GRCh37 (hg19) VCF-style: chrX-10182008-G-A.
Other names: c.1582G>A, p.Val528Met (NM_001256944.2); short protein forms V528M, V622M.
Identifiers: ClinVar variation 2431030 (VCV002431030.1), dbSNP rs1366141307, ClinGen allele CA412042863.

ClinVar aggregate classification (germline): Uncertain significance (1 of 4 stars; one submission).

Allele frequency attached by ClinVar (database versions not stated): gnomAD exomes below 0.00001; gnomAD 0.00001; TOPMed 0.00002.
gnomAD v4.1: 4 of 1,210,600 alleles (0.00033%); highest among the groups gnomAD compares: South Asian, 0.0018%; no homozygotes.

Submission:

GeneDx
Classification: Uncertain significance. Last evaluated: 2022-08-19. Review status: criteria provided, single submitter. Criteria: GeneDx Variant Classification Process June 2021. Collection method: clinical testing. Allele origin: germline. Affected: yes.
Comment: In silico analysis supports that this missense variant does not alter protein structure/function; Has not been previously published as pathogenic or benign to our knowledge